The following is an entry in ClinVar:

ClinVar aggregate classification (germline): Uncertain significance (1 of 4 stars; one submission).

Submission:

GeneDx
Classification: Uncertain significance. Last evaluated: 2024-04-08. Review status: criteria provided, single submitter. Criteria: GeneDx Variant Classification Process June 2021. Collection method: clinical testing. Allele origin: germline. Affected: yes.
Comment: Not observed at significant frequency in large population cohorts (gnomAD); In silico analysis supports that this missense variant has a deleterious effect on protein structure/function; Has not been previously published as pathogenic or benign to our knowledge

NM_021120.4(DLG3):c.389A>G (p.Glu130Gly)

Gene: DLG3 (discs large MAGUK scaffold protein 3; plus strand). Cytogenetic location: Xq13.1.
Variant type: single nucleotide variant.
Coding change: c.389A>G on transcript NM_021120.4 (MANE Select); coding-DNA position 389, A replaced by G.
Protein change: p.Glu130Gly; replaces glutamic acid 130 with glycine.
Molecular consequence: missense variant.
Genome position (GRCh38, 1-based): chrX:70,448,944, A>G. VCF-style: chrX-70448944-A-G. GRCh37 (hg19) VCF-style: chrX-69668794-A-G.
Other names: short protein forms E130G.
Identifiers: ClinVar variation 3371906 (VCV003371906.1).